The following is an entry in ClinVar:

ClinVar aggregate classification (germline): Pathogenic/Likely pathogenic. Review status: criteria provided, multiple submitters, no conflicts (2 of 4 stars). 2 submissions from 2 submitters: Pathogenic (1); Likely pathogenic (1). Last evaluated 2023-12-19.

Conditions:
Familial thoracic aortic aneurysm and aortic dissection (TAAD). Also called: Thoracic aortic aneurysms and dissections. Identifiers: Orphanet 91387, MedGen C4707243, MONDO:0019625.

Submissions (2):

Labcorp Genetics (formerly Invitae), Labcorp
Classification: Pathogenic for Familial thoracic aortic aneurysm and aortic dissection. Last evaluated: 2023-12-19. Review status: criteria provided, single submitter. Criteria: Invitae Variant Classification Sherloc (09022015). Collection method: clinical testing. Allele origin: germline.
Comment: This sequence change replaces glycine, which is neutral and non-polar, with arginine, which is basic and polar, at codon 245 of the SMAD3 protein (p.Gly245Arg). This variant is not present in population databases (gnomAD no frequency). This missense change has been observed in individuals with clinical features of SMAD3-related conditions (PMID: 24804794, 29444731; Invitae). ClinVar contains an entry for this variant (Variation ID: 520179). Advanced modeling performed at Invitae incorporating data from internal and/or published experimental studies (Invitae) indicates that this missense variant is expected to disrupt SMAD3 function with a positive predictive value of 95%. For these reasons, this variant has been classified as Pathogenic.

Ambry Genetics
Classification: Likely pathogenic for Familial thoracic aortic aneurysm and aortic dissection. Last evaluated: 2019-08-06. Review status: criteria provided, single submitter. Criteria: Ambry Variant Classification Scheme 2023. Collection method: clinical testing. Allele origin: germline.
Comment: The p.G245R variant (also known as c.733G>C), located in coding exon 6 of the SMAD3 gene, results from a G to C substitution at nucleotide position 733. The glycine at codon 245 is replaced by arginine, an amino acid with dissimilar properties. This alteration was previously reported in a nonsyndromic pediatric patient with a dilated aorta (Arroyave J et al. Cardiol Young, 2018;28:765-767). Internal structural analysis indicates that this variant causes a significant decrease in SMAD3 structural stability (Qin BY et al. Genes Dev. 2002 Aug;16(15):1950-63; Ambry internal data). A likely pathogenic alteration resulting in the same amino acid change (c.733G>A p.G245R) has also been described (Aubart M. PLoS ONE 2014; 9(5):e96387). This amino acid position is highly conserved in available vertebrate species. In addition, this alteration is predicted to be deleterious by in silico analysis. Based on the majority of available evidence to date, this variant is likely to be pathogenic.

Literature cited by the submitters: PubMed 24804794 (cited by Labcorp Genetics (formerly Invitae), Labcorp); PubMed 29444731 (cited by Labcorp Genetics (formerly Invitae), Labcorp and Ambry Genetics); PubMed 30661052 (cited by Ambry Genetics).

NM_005902.4(SMAD3):c.733G>C (p.Gly245Arg)

Gene: SMAD3 (SMAD family member 3; plus strand). Cytogenetic location: 15q22.33.
Variant type: single nucleotide variant.
Coding change: c.733G>C on transcript NM_005902.4 (MANE Select); coding-DNA position 733, G replaced by C.
Protein change: p.Gly245Arg; replaces glycine 245 with arginine.
Molecular consequence: missense variant.
Genome position (GRCh38, 1-based): chr15:67,181,315, G>C. VCF-style: chr15-67181315-G-C. GRCh37 (hg19) VCF-style: chr15-67473653-G-C.
Other names: c.418G>C, p.Gly140Arg (NM_001145102.2); c.601G>C, p.Gly201Arg (NM_001145103.2); c.148G>C, p.Gly50Arg (NM_001145104.2); short protein forms G245R, G140R, G50R, G201R.
Identifiers: ClinVar variation 520179 (VCV000520179.15), dbSNP rs863223737, ClinGen allele CA392956090.